The following is an entry in ClinVar:

NM_000363.5(TNNI3):c.514C>G (p.His172Asp)

Gene: TNNI3 (troponin I3, cardiac type; minus strand). Cytogenetic location: 19q13.42.
Variant type: single nucleotide variant.
Coding change: c.514C>G on transcript NM_000363.5 (MANE Select); coding-DNA position 514, C replaced by G.
Protein change: p.His172Asp; replaces histidine 172 with aspartic acid.
Molecular consequence: missense variant.
Genome position (GRCh38, 1-based): chr19:55,154,065, G>C on the plus strand (C>G on the coding strand, the complement: TNNI3 is on the minus strand). VCF-style: chr19-55154065-G-C. GRCh37 (hg19) VCF-style: chr19-55665433-G-C.
Other names: p.H172D:CAC>GAC; c.514C>G (LRG_432t1); short protein forms H172D.
Identifiers: ClinVar variation 181584 (VCV000181584.2), dbSNP rs730881075, ClinGen allele CA021797.

ClinVar aggregate classification (germline): Likely pathogenic (1 of 4 stars; one submission).

Submission:

GeneDx
Classification: Likely pathogenic. Last evaluated: 2012-01-13. Review status: criteria provided, single submitter. Criteria: GeneDx Variant Classification (06012015). Collection method: clinical testing. Allele origin: germline. Affected: yes.
Comment: The His172Asp variant in the TNNI3 gene has not been reported previously as a disease-causing mutation nor as a benign polymorphism, to our knowledge. His172Asp results in a non-conservative amino acid substitution of a positively charged Histidine with a negatively charged Aspartic acid at a residue that is conserved across mammalian species. Mutations in nearby codons (Arg170Gln, Ala171Thr, Lys178Gln) have been reported in association with cardiomyopathy, supporting the functional importance of this region of the protein. The NHLBI ESP Exome Variant Server reports His172Asp was not observed in approximately 6,200 samples from individuals of European and African American backgrounds, indicating it is not a common benign variant in these populations.In summary, while the His172Asp variant in the TNNI3 gene is a good candidate for a disease-causing mutation, we cannot unequivocally determine whether this variant is disease-causing or a benign variant.The variant is found in HCM panel(s).